The following is an entry in ClinVar:

ClinVar aggregate classification (germline): Benign/Likely benign. Review status: criteria provided, multiple submitters, no conflicts (2 of 4 stars). 4 submissions from 4 submitters: Benign (3); Likely benign (1). Last evaluated 2025-12-07.

Conditions:
RNF213-related disorder. Also called: RNF213-related condition.

Allele frequency attached by ClinVar (database versions not stated): 1000 Genomes Project 30x 0.00187; 1000 Genomes Project 0.00200; gnomAD 0.00366 and 0.00391; TOPMed 0.00443; ESP Exome Variant Server 0.00461; gnomAD exomes 0.00035 and 0.00101; ExAC 0.00120.
gnomAD v4.1: 1,074 of 1,614,000 alleles (0.067%); highest among the groups gnomAD compares: African/African-American, 1.3%; 13 homozygotes.

Submissions (4):

Labcorp Genetics (formerly Invitae), Labcorp
Classification: Benign. Last evaluated: 2025-12-07. Review status: criteria provided, single submitter. Criteria: Invitae Variant Classification Sherloc (09022015). Collection method: clinical testing. Allele origin: germline.

PreventionGenetics, part of Exact Sciences
Classification: Likely benign for RNF213-related condition. Last evaluated: 2025-06-11. Review status: criteria provided, single submitter. Criteria: ACMG Guidelines, 2015. Collection method: clinical testing. Allele origin: germline.
Comment: This variant is classified as likely benign based on ACMG/AMP sequence variant interpretation guidelines (Richards et al. 2015 PMID: 25741868, with internal and published modifications).

Mayo Clinic Laboratories, Mayo Clinic
Classification: Benign. Last evaluated: 2025-02-14. Review status: criteria provided, single submitter. Criteria: ACMG Guidelines, 2015. Collection method: clinical testing. Allele origin: germline. Observed: 1 variant allele.
Comment: BS1, BS2, BP4, BP7

Breakthrough Genomics
Classification: Benign. Review status: criteria provided, single submitter. Criteria: ACMG Guidelines, 2015. Collection method: not provided. Allele origin: germline. Inheritance: Autosomal dominant inheritance. Affected: yes.

NM_001256071.3(RNF213):c.7980G>A (p.Ala2660=)

Gene: RNF213 (ring finger protein 213; plus strand). Cytogenetic location: 17q25.3.
Variant type: single nucleotide variant.
Coding change: c.7980G>A on transcript NM_001256071.3 (MANE Select); coding-DNA position 7980, G replaced by A.
Protein change: p.Ala2660=; no amino-acid change (alanine 2660 retained).
Molecular consequence: synonymous variant.
Genome position (GRCh38, 1-based): chr17:80,346,315, G>A. VCF-style: chr17-80346315-G-A. GRCh37 (hg19) VCF-style: chr17-78320115-G-A.
Other names: p.Ala2660=.
Identifiers: ClinVar variation 732681 (VCV000732681.13), dbSNP rs114259795, ClinGen allele CA8820851.